The following is an entry in ClinVar:

ClinVar aggregate classification (germline): Uncertain significance (1 of 4 stars; one submission).

Submission:

Labcorp Genetics (formerly Invitae), Labcorp
Classification: Uncertain significance. Last evaluated: 2025-02-25. Review status: criteria provided, single submitter. Criteria: Invitae Variant Classification Sherloc (09022015). Collection method: clinical testing. Allele origin: germline.
Comment: This sequence change replaces arginine, which is basic and polar, with glycine, which is neutral and non-polar, at codon 853 of the KL protein (p.Arg853Gly). This variant is not present in population databases (gnomAD no frequency). This variant has not been reported in the literature in individuals affected with KL-related conditions. Invitae Evidence Modeling of protein sequence and biophysical properties (such as structural, functional, and spatial information, amino acid conservation, physicochemical variation, residue mobility, and thermodynamic stability) indicates that this missense variant is expected to disrupt KL protein function with a positive predictive value of 80%. In summary, the available evidence is currently insufficient to determine the role of this variant in disease. Therefore, it has been classified as a Variant of Uncertain Significance.

NM_004795.4(KL):c.2557C>G (p.Arg853Gly)

Gene: KL (klotho; plus strand). Cytogenetic location: 13q13.1.
Variant type: single nucleotide variant.
Coding change: c.2557C>G on transcript NM_004795.4 (MANE Select); coding-DNA position 2557, C replaced by G.
Protein change: p.Arg853Gly; replaces arginine 853 with glycine.
Molecular consequence: missense variant.
Genome position (GRCh38, 1-based): chr13:33,061,636, C>G. VCF-style: chr13-33061636-C-G. GRCh37 (hg19) VCF-style: chr13-33635773-C-G.
Other names: short protein forms R853G.
Identifiers: ClinVar variation 4702974 (VCV004702974.1).